The following is an entry in ClinVar:

ClinVar aggregate classification (germline): Uncertain significance (1 of 4 stars; one submission).

Submission:

Labcorp Genetics (formerly Invitae), Labcorp
Classification: Uncertain significance. Last evaluated: 2023-02-24. Review status: criteria provided, single submitter. Criteria: Invitae Variant Classification Sherloc (09022015). Collection method: clinical testing. Allele origin: germline.
Comment: In summary, the available evidence is currently insufficient to determine the role of this variant in disease. Therefore, it has been classified as a Variant of Uncertain Significance. An algorithm developed to predict the effect of missense changes on protein structure and function (PolyPhen-2) suggests that this variant is likely to be disruptive. This variant has not been reported in the literature in individuals affected with CLCN6-related conditions. This variant is not present in population databases (gnomAD no frequency). This sequence change replaces serine, which is neutral and polar, with threonine, which is neutral and polar, at codon 157 of the CLCN6 protein (p.Ser157Thr).

NM_001286.5(CLCN6):c.469T>A (p.Ser157Thr)

Gene: CLCN6 (chloride voltage-gated channel 6; plus strand). Cytogenetic location: 1p36.22.
Variant type: single nucleotide variant.
Coding change: c.469T>A on transcript NM_001286.5 (MANE Select); coding-DNA position 469, T replaced by A.
Protein change: p.Ser157Thr; replaces serine 157 with threonine.
Molecular consequence: missense variant. On other transcripts: non-coding transcript variant (1).
Genome position (GRCh38, 1-based): chr1:11,823,722, T>A. VCF-style: chr1-11823722-T-A. GRCh37 (hg19) VCF-style: chr1-11883779-T-A.
Other names: c.403T>A, p.Ser135Thr (NM_001256959.2); short protein forms S157T, S135T.
Identifiers: ClinVar variation 2840646 (VCV002840646.3), dbSNP rs2523105001, ClinGen allele CA338427808.